The following is an entry in ClinVar:

NM_001127208.3(TET2):c.3409+1G>A

Genes: TET2 (tet methylcytosine dioxygenase 2; plus strand), TET2-AS1 (TET2 antisense RNA 1; minus strand). Cytogenetic location: 4q24.
Variant type: single nucleotide variant.
Coding change: c.3409+1G>A on transcript NM_001127208.3 (MANE Select); the canonical splice donor site of the intron after coding-DNA position 3409, G replaced by A.
Molecular consequence: splice donor variant. On other transcripts: missense variant (1).
Genome position (GRCh38, 1-based): chr4:105,237,352, G>A. VCF-style: chr4-105237352-G-A. GRCh37 (hg19) VCF-style: chr4-106158509-G-A.
Other names: c.3410G>A, p.Gly1137Asp (NM_017628.4); short protein forms G1137D.
Identifiers: ClinVar variation 2681588 (VCV002681588.3), dbSNP rs772634266.

ClinVar aggregate classification (germline): Likely pathogenic. Review status: criteria provided, single submitter (1 of 4 stars). 2 submissions from 2 submitters: Likely pathogenic (1). 1 of the submissions does not count toward it. Last evaluated 2025-10-01.

Conditions:
EBV-positive nodal T- and NK-cell lymphoma.

Allele frequency attached by ClinVar (database versions not stated): gnomAD 0.00001; ExAC 0.00003.
gnomAD v4.1: 9 of 1,613,894 alleles (0.00056%); highest among the groups gnomAD compares: Admixed American, 0.0017%; no homozygotes.

Submissions (2):

Labcorp Genetics (formerly Invitae), Labcorp
Classification: Likely pathogenic. Last evaluated: 2025-10-01. Review status: criteria provided, single submitter. Criteria: Invitae Variant Classification Sherloc (09022015). Collection method: clinical testing. Allele origin: germline.
Comment: This sequence change affects a donor splice site in intron 3 of the TET2 gene. It is expected to disrupt RNA splicing. Variants that disrupt the donor or acceptor splice site typically lead to a loss of protein function (PMID: 16199547), and loss-of-function variants in TET2 are known to be pathogenic (PMID: 36066697). This variant is present in population databases (rs772634266, gnomAD 0.003%). This variant has not been reported in the literature in individuals affected with TET2-related conditions. ClinVar contains an entry for this variant (Variation ID: 2681588). Algorithms developed to predict the effect of sequence changes on RNA splicing suggest that this variant may disrupt the consensus splice site. In summary, the currently available evidence indicates that the variant is pathogenic, but additional data are needed to prove that conclusively. Therefore, this variant has been classified as Likely Pathogenic.

Department of Clinical Pathology, School of Medicine, Fujita Health University
Classification: Pathogenic for EBV-positive nodal T- and NK-cell lymphoma. Review status: no assertion criteria provided. Collection method: research. Allele origin: unknown. Affected: yes. Not counted in ClinVar's aggregate classification.

Literature cited by the submitters: PubMed 16199547 (cited by Labcorp Genetics (formerly Invitae), Labcorp); PubMed 36066697 (cited by Labcorp Genetics (formerly Invitae), Labcorp).